The following is an entry in ClinVar:

NM_015295.3(SMCHD1):c.4040A>G (p.Tyr1347Cys)

Gene: SMCHD1 (structural maintenance of chromosomes flexible hinge domain containing 1; plus strand). Cytogenetic location: 18p11.32.
Variant type: single nucleotide variant.
Coding change: c.4040A>G on transcript NM_015295.3 (MANE Select); coding-DNA position 4040, A replaced by G.
Protein change: p.Tyr1347Cys; replaces tyrosine 1347 with cysteine.
Molecular consequence: missense variant.
Genome position (GRCh38, 1-based): chr18:2,750,382, A>G. VCF-style: chr18-2750382-A-G. GRCh37 (hg19) VCF-style: chr18-2750380-A-G.
Other names: c.4040A>G (NM_015295.2); short protein forms Y1347C.
Identifiers: ClinVar variation 498991 (VCV000498991.7), dbSNP rs774156694, ClinGen allele CA295479485.

ClinVar aggregate classification (germline): Uncertain significance. Review status: criteria provided, multiple submitters, no conflicts (2 of 4 stars). 3 submissions from 3 submitters: Uncertain significance (3). Last evaluated 2025-08-29.

Conditions:
Inborn genetic diseases. Identifiers: MedGen C0950123, MeSH D030342.
Facioscapulohumeral muscular dystrophy 2 (FSHD2). Also called: MUSCULAR DYSTROPHY, FACIOSCAPULOHUMERAL, TYPE 1B; FACIOSCAPULOHUMERAL MUSCULAR DYSTROPHY 2, DIGENIC; FSHD2, DIGENIC. Identifiers: Orphanet 269, MedGen C1834671, MONDO:0008031, OMIM 158901.

Allele frequency attached by ClinVar (database versions not stated): TOPMed 0.00001; gnomAD 0.00002.
gnomAD v4.1: 10 of 1,612,748 alleles (0.00062%); highest among the groups gnomAD compares: African/African-American, 0.0027%; no homozygotes.

Submissions (3):

Labcorp Genetics (formerly Invitae), Labcorp
Classification: Uncertain significance for Facioscapulohumeral muscular dystrophy 2. Last evaluated: 2025-08-29. Review status: criteria provided, single submitter. Criteria: Invitae Variant Classification Sherloc (09022015). Collection method: clinical testing. Allele origin: germline.
Comment: This sequence change replaces tyrosine, which is neutral and polar, with cysteine, which is neutral and slightly polar, at codon 1347 of the SMCHD1 protein (p.Tyr1347Cys). This variant is present in population databases (no rsID available, gnomAD 0.007%). This variant has not been reported in the literature in individuals affected with SMCHD1-related conditions. ClinVar contains an entry for this variant (Variation ID: 498991). Invitae Evidence Modeling of protein sequence and biophysical properties (such as structural, functional, and spatial information, amino acid conservation, physicochemical variation, residue mobility, and thermodynamic stability) indicates that this missense variant is not expected to disrupt SMCHD1 protein function with a negative predictive value of 80%. In summary, the available evidence is currently insufficient to determine the role of this variant in disease. Therefore, it has been classified as a Variant of Uncertain Significance.

Ambry Genetics
Classification: Uncertain significance for Inborn genetic diseases. Last evaluated: 2025-03-28. Review status: criteria provided, single submitter. Criteria: Ambry Variant Classification Scheme 2023. Collection method: clinical testing. Allele origin: germline.

Eurofins Ntd Llc (ga)
Classification: Uncertain significance. Last evaluated: 2016-12-28. Review status: criteria provided, single submitter. Criteria: EGL Classification Definitions 2015. Collection method: clinical testing. Allele origin: germline. Observed: 1 variant allele, 1 heterozygote.